The following is an entry in ClinVar:

NM_001267550.2(TTN):c.32727A>G (p.Pro10909=)

Gene: TTN (titin; minus strand). Cytogenetic location: 2q31.2.
Variant type: single nucleotide variant.
Coding change: c.32727A>G on transcript NM_001267550.2 (MANE Select); coding-DNA position 32727, A replaced by G.
Protein change: p.Pro10909=; no amino-acid change (proline 10909 retained).
Molecular consequence: synonymous variant. On other transcripts: intron variant (3).
Genome position (GRCh38, 1-based): chr2:178,684,078, T>C on the plus strand (A>G on the coding strand, the complement: TTN is on the minus strand). VCF-style: chr2-178684078-T-C. GRCh37 (hg19) VCF-style: chr2-179548805-T-C.
Other names: c.31776A>G, p.Pro10592= (NM_001256850.1); c.28995A>G, p.Pro9665= (NM_133378.4); c.13283-41761A>G (NM_003319.4); c.13859-41761A>G (NM_133437.4); c.13658-41761A>G (NM_133432.3); c.32727A>G (NM_001267550.1).
Identifiers: ClinVar variation 735266 (VCV000735266.4), dbSNP rs756675105, ClinGen allele CA430128639.

ClinVar aggregate classification (germline): Conflicting classifications of pathogenicity. Review status: criteria provided, conflicting classifications (1 of 4 stars). 2 submissions from 2 submitters: Uncertain significance (1); Likely benign (1). Last evaluated 2025-02-06.

gnomAD v4.1: 8 of 1,612,680 alleles (0.0005%); highest among the groups gnomAD compares: South Asian, 0.0011%; no homozygotes.

Submissions (2):

GeneDx
Classification: Uncertain significance. Last evaluated: 2025-02-06. Review status: criteria provided, single submitter. Criteria: GeneDx Variant Classification Process June 2021. Collection method: clinical testing. Allele origin: germline. Affected: yes.
Comment: Not observed at significant frequency in large population cohorts (gnomAD); Has not been previously published as pathogenic or benign to our knowledge; In silico analysis is inconclusive as to whether the variant alters gene splicing. In the absence of RNA/functional studies, the actual effect of this sequence change is unknown.

Labcorp Genetics (formerly Invitae), Labcorp
Classification: Likely benign. Last evaluated: 2018-04-12. Review status: criteria provided, single submitter. Criteria: Invitae Variant Classification Sherloc (09022015). Collection method: clinical testing. Allele origin: germline.